The following is an entry in ClinVar:

NM_001048174.2(MUTYH):c.1484G>T (p.Arg495Leu)

Gene: MUTYH (mutY DNA glycosylase; minus strand). Cytogenetic location: 1p34.1.
Variant type: single nucleotide variant.
Coding change: c.1484G>T on transcript NM_001048174.2 (MANE Select); coding-DNA position 1484, G replaced by T.
Protein change: p.Arg495Leu; replaces arginine 495 with leucine.
Molecular consequence: missense variant. On other transcripts: non-coding transcript variant (7).
Genome position (GRCh38, 1-based): chr1:45,329,388, C>A on the plus strand (G>T on the coding strand, the complement: MUTYH is on the minus strand). VCF-style: chr1-45329388-C-A. GRCh37 (hg19) VCF-style: chr1-45795060-C-A.
Other names: c.1139G>T, p.Arg380Leu (NM_001407082.1, NM_001350650.2, NM_001350651.2); c.1484G>T, p.Arg495Leu (NM_001407081.1, NM_001048171.2, NM_001048173.2 and 6 more transcripts); c.1442G>T, p.Arg481Leu (NM_001407080.1); c.1487G>T, p.Arg496Leu (NM_001048172.2, NM_001407071.1, NM_001407078.1 and 1 more transcripts); c.1568G>T, p.Arg523Leu (NM_001128425.2); c.1529G>T, p.Arg510Leu (NM_001293190.2); c.1517G>T, p.Arg506Leu (NM_001293191.2, NM_001407069.1, NM_001407077.1); c.1208G>T, p.Arg403Leu (NM_001293192.2, NM_001293196.2, NM_001407091.1); and 5 more; short protein forms R380L, R403L, R495L, R510L, R520L, R523L, R496L, R506L.
Identifiers: ClinVar variation 4113374 (VCV004113374.1).

ClinVar aggregate classification (germline): Uncertain significance (1 of 4 stars; one submission).

Conditions:
Hereditary cancer-predisposing syndrome. Also called: Tumor predisposition; Neoplastic Syndromes, Hereditary; Hereditary neoplastic syndrome; Hereditary Cancer Syndrome. Identifiers: Orphanet 140162, MedGen C0027672, MeSH D009386, MONDO:0015356.

gnomAD v4.1: 1 of 1,614,130 alleles (0.000062%); highest among the groups gnomAD compares: Non-Finnish European, 0.000085%; no homozygotes.

Submission:

Ambry Genetics
Classification: Uncertain significance for Hereditary cancer-predisposing syndrome. Last evaluated: 2025-08-27. Review status: criteria provided, single submitter. Criteria: Ambry Variant Classification Scheme 2023. Collection method: clinical testing. Allele origin: germline.
Comment: The p.R523L variant (also known as c.1568G>T), located in coding exon 16 of the MUTYH gene, results from a G to T substitution at nucleotide position 1568. The arginine at codon 523 is replaced by leucine, an amino acid with dissimilar properties. This amino acid position is conserved. In addition, this alteration is predicted to be tolerated by in silico analysis. Based on the available evidence, the clinical significance of this variant remains unclear.